The following is an entry in ClinVar:

NM_000059.4(BRCA2):c.10189T>A (p.Ser3397Thr)

Gene: BRCA2 (BRCA2 DNA repair associated; plus strand). Cytogenetic location: 13q13.1.
Variant type: single nucleotide variant.
Coding change: c.10189T>A on transcript NM_000059.4 (MANE Select); coding-DNA position 10189, T replaced by A.
Protein change: p.Ser3397Thr; replaces serine 3397 with threonine.
Molecular consequence: missense variant.
Genome position (GRCh38, 1-based): chr13:32,398,702, T>A. VCF-style: chr13-32398702-T-A. GRCh37 (hg19) VCF-style: chr13-32972839-T-A.
Other names: short protein forms S3397T.
Identifiers: ClinVar variation 232876 (VCV000232876.17), dbSNP rs876660044, ClinGen allele CA10579861.

ClinVar aggregate classification (germline): Conflicting classifications of pathogenicity. Review status: criteria provided, conflicting classifications (1 of 4 stars). 3 submissions from 3 submitters: Uncertain significance (2); Likely benign (1). Last evaluated 2019-05-03.

Conditions:
Hereditary breast ovarian cancer syndrome. Also called: Hereditary breast and ovarian cancer syndrome; BRCA1- and BRCA2-Associated Hereditary Breast and Ovarian Cancer; Breast and ovarian cancer; Hereditary breast and/or ovarian cancer syndrome; Hereditary breast and ovarian cancer; Hereditary breast and ovarian cancer syndrome (HBOC). Identifiers: Orphanet 145, MedGen C0677776, MeSH D061325, MONDO:0003582. Disease mechanism: loss of function.
Hereditary cancer-predisposing syndrome. Also called: Neoplastic Syndromes, Hereditary; Tumor predisposition; Hereditary Cancer Syndrome; Hereditary neoplastic syndrome. Identifiers: Orphanet 140162, MedGen C0027672, MeSH D009386, MONDO:0015356.

Submissions (3):

Color Diagnostics, LLC DBA Color Health
Classification: Uncertain significance for Hereditary cancer-predisposing syndrome. Last evaluated: 2019-05-03. Review status: criteria provided, single submitter. Criteria: ACMG Guidelines, 2015. Collection method: clinical testing. Allele origin: germline.

Labcorp Genetics (formerly Invitae), Labcorp
Classification: Uncertain significance for Hereditary breast ovarian cancer syndrome. Last evaluated: 2016-02-19. Review status: criteria provided, single submitter. Criteria: Invitae Variant Classification Sherloc (09022015). Collection method: clinical testing. Allele origin: germline.
Comment: In summary, this is a novel missense change that is not predicted to affect protein function or cause disease. However, the evidence is insufficient at this time to prove that conclusively. It has been classified as a Variant of Uncertain Significance. Algorithms developed to predict the effect of missense changes on protein structure and function (SIFT, PolyPhen-2, Align-GVGD) all suggest that this variant is likely to be tolerated, but these predictions have not been confirmed by published functional studies. This variant is not present in population databases (ExAC no frequency) and has not been reported in the literature in individuals with a BRCA2-related disease. This sequence change replaces serine with threonine at codon 3397 of the BRCA2 protein (p.Ser3397Thr). The serine residue is weakly conserved and there is a small physicochemical difference between serine and threonine.

Ambry Genetics
Classification: Likely benign for Hereditary cancer-predisposing syndrome. Last evaluated: 2015-07-09. Review status: criteria provided, single submitter. Criteria: Ambry Variant Classification Scheme 2023. Collection method: clinical testing. Allele origin: germline.